The following is an entry in ClinVar:

ClinVar aggregate classification (germline): Conflicting classifications of pathogenicity. Review status: criteria provided, conflicting classifications (1 of 4 stars). 4 submissions from 4 submitters: Likely pathogenic (1); Uncertain significance (2). 1 of the submissions does not count toward it. Last evaluated 2025-06-28.

Conditions:
COL4A5-related disorder. Also called: COL4A5-related condition.
X-linked Alport syndrome (ATS1). Also called: NEPHROPATHY AND DEAFNESS, X-LINKED; COL4A5-Related Nephropathy. Identifiers: Orphanet 63, Orphanet 88917, MedGen C4746986, MONDO:0010520, OMIM 301050.

gnomAD v4.1: 1 of 1,209,707 alleles (0.000083%); highest among the groups gnomAD compares: Admixed American, 0.0022%; no homozygotes.

Submissions (4):

Labcorp Genetics (formerly Invitae), Labcorp
Classification: Uncertain significance. Last evaluated: 2025-06-28. Review status: criteria provided, single submitter. Criteria: Invitae Variant Classification Sherloc (09022015). Collection method: clinical testing. Allele origin: germline.
Comment: This sequence change falls in intron 11 of the COL4A5 gene. It does not directly change the encoded amino acid sequence of the COL4A5 protein. This variant is present in population databases (no rsID available, gnomAD 0.004%). This variant has been observed in individual(s) with clinical features of Alport syndrome (internal data). ClinVar contains an entry for this variant (Variation ID: 846533). Algorithms developed to predict the effect of sequence changes on RNA splicing suggest that this variant may disrupt the consensus splice site. In summary, the available evidence is currently insufficient to determine the role of this variant in disease. Therefore, it has been classified as a Variant of Uncertain Significance.

Fulgent Genetics
Classification: Likely pathogenic for X-linked Alport syndrome. Last evaluated: 2024-04-11. Review status: criteria provided, single submitter. Criteria: ACMG Guidelines, 2015. Collection method: clinical testing. Allele origin: germline.

Athena Diagnostics
Classification: Uncertain significance. Last evaluated: 2022-03-02. Review status: criteria provided, single submitter. Criteria: Athena Diagnostics Criteria. Collection method: clinical testing. Allele origin: unknown.

PreventionGenetics, part of Exact Sciences
Classification: Uncertain significance for COL4A5-related condition. Last evaluated: 2024-05-07. Review status: no assertion criteria provided. Collection method: clinical testing. Allele origin: germline. Not counted in ClinVar's aggregate classification.
Comment: The COL4A5 c.646-6C>G variant is predicted to interfere with splicing. To our knowledge, this variant has not been reported in the literature. This variant is reported in 0.0037% of alleles in individuals of Latino descent in gnomAD. At this time, the clinical significance of this variant is uncertain due to the absence of conclusive functional and genetic evidence.

NM_033380.3(COL4A5):c.646-6C>G

Gene: COL4A5 (collagen type IV alpha 5 chain; plus strand). Cytogenetic location: Xq22.3.
Variant type: single nucleotide variant.
Coding change: c.646-6C>G on transcript NM_033380.3 (MANE Select); 6 bases into the intron before coding-DNA position 646, C replaced by G.
Molecular consequence: intron variant.
Genome position (GRCh38, 1-based): chrX:108,578,072, C>G. VCF-style: chrX-108578072-C-G. GRCh37 (hg19) VCF-style: chrX-107821302-C-G.
Other names: c.646-6C>G (NM_000495.5).
Identifiers: ClinVar variation 846533 (VCV000846533.13), dbSNP rs200151467, ClinGen allele CA643749921.
Genomic context (GRCh38, chrX:108,578,072, plus strand): 5'-TTTATTTGGTGTGGATTCCTTTTCTTACTGTCAGTGAGATTTTTAAATGGAAACTTCTCT[C>G]TCCAGGGGAATATGGGCTTAAATTTCCAGGGACCCAAAGGTGAAAAAGTGAGTAAAGAAA-3'